The following is an entry in ClinVar:

ClinVar aggregate classification (germline): Benign. Review status: criteria provided, multiple submitters, no conflicts (2 of 4 stars). 4 submissions from 4 submitters: Benign (4). Last evaluated 2021-07-01.

Conditions:
Autosomal recessive limb-girdle muscular dystrophy type 2C (LGMDR5). Also called: MUSCULAR DYSTROPHY, DUCHENNE-LIKE; MUSCULAR DYSTROPHY, LIMB-GIRDLE, AUTOSOMAL RECESSIVE 5. Identifiers: Orphanet 353, MedGen C0410173, MONDO:0009677, OMIM 253700. Disease mechanism: Affects gamma-sarcoglycan and also disrupts the integrity of the entire sarcoglycan complex..

Allele frequency attached by ClinVar (database versions not stated): 1000 Genomes Project 0.06290; 1000 Genomes Project 30x 0.06309; gnomAD exomes 0.09623 and 0.11495; ExAC 0.09635; TOPMed 0.10405; gnomAD 0.10463 and 0.10864; ESP Exome Variant Server 0.11372.
gnomAD v4.1: 182,749 of 1,603,962 alleles (11%); highest among the groups gnomAD compares: Non-Finnish European, 13%; 11,480 homozygotes.

Submissions (4):

Pars Genome Lab
Classification: Benign for Autosomal recessive limb-girdle muscular dystrophy type 2C. Last evaluated: 2021-07-01. Review status: criteria provided, single submitter. Criteria: ACMG Guidelines, 2015. Collection method: clinical testing. Allele origin: germline. Affected: no.

GeneDx
Classification: Benign. Last evaluated: 2018-06-14. Review status: criteria provided, single submitter. Criteria: GeneDx Variant Classification (06012015). Collection method: clinical testing. Allele origin: germline. Affected: yes.
Comment: This variant is considered likely benign or benign based on one or more of the following criteria: it is a conservative change, it occurs at a poorly conserved position in the protein, it is predicted to be benign by multiple in silico algorithms, and/or has population frequency not consistent with disease.

Breakthrough Genomics
Classification: Benign. Review status: criteria provided, single submitter. Criteria: ACMG Guidelines, 2015. Collection method: not provided. Allele origin: germline. Inheritance: Autosomal recessive inheritance. Affected: yes.

PreventionGenetics, part of Exact Sciences
Classification: Benign. Review status: criteria provided, single submitter. Criteria: ACMG Guidelines, 2015. Collection method: clinical testing. Allele origin: germline.

NM_000231.3(SGCG):c.386-30A>G

Gene: SGCG (sarcoglycan gamma; plus strand). Cytogenetic location: 13q12.12.
Variant type: single nucleotide variant.
Coding change: c.386-30A>G on transcript NM_000231.3 (MANE Select); 30 bases into the intron before coding-DNA position 386, A replaced by G.
Molecular consequence: intron variant.
Genome position (GRCh38, 1-based): chr13:23,279,329, A>G. VCF-style: chr13-23279329-A-G. GRCh37 (hg19) VCF-style: chr13-23853468-A-G.
Other names: c.440-30A>G (NM_001378244.1); c.386-30A>G (NM_001378245.1, NM_001378246.1).
Identifiers: ClinVar variation 255601 (VCV000255601.5), dbSNP rs66844808, ClinGen allele CA6909677.
Genomic context (GRCh38, chr13:23,279,329, plus strand): 5'-TATTGTAGGGTTGACGTGGCATGTGTAAAAATAGAGATTTGGACACTGCTTGTAGTGAAC[A>G]GTTTATAATAAACTGTTTTAATTCTTCAGGTCCCAAAATGGTAGAAGTCCAGAATCAACA-3'